The following is an entry in ClinVar:

ClinVar aggregate classification (germline): Likely benign. Review status: criteria provided, multiple submitters, no conflicts (2 of 4 stars). 4 submissions from 4 submitters: Likely benign (4). Last evaluated 2026-01-28.

Conditions:
Deficiency of ferroxidase (ACEP). Also called: Aceruloplasminemia; Deficiency of ceruloplasmin; NEURODEGENERATION WITH BRAIN IRON ACCUMULATION 10; Ceruloplasmin deficiency; Familial apoceruloplasmin deficiency; Hereditary ceruloplasmin deficiency. Identifiers: Orphanet 48818, MedGen C0878682, MONDO:0011426, OMIM 604290, HP:0025498.

Allele frequency attached by ClinVar (database versions not stated): gnomAD 0.00011; TOPMed 0.00017; gnomAD exomes 0.00041; 1000 Genomes Project 30x 0.00047; ExAC 0.00049; 1000 Genomes Project 0.00060.
gnomAD v4.1: 377 of 1,614,138 alleles (0.023%); highest among the groups gnomAD compares: East Asian, 0.83%; 3 homozygotes.

Submissions (4):

Labcorp Genetics (formerly Invitae), Labcorp
Classification: Likely benign for Deficiency of ferroxidase. Last evaluated: 2026-01-28. Review status: criteria provided, single submitter. Criteria: Invitae Variant Classification Sherloc (09022015). Collection method: clinical testing. Allele origin: germline.

Women's Health and Genetics/Laboratory Corporation of America, LabCorp
Classification: Likely benign. Last evaluated: 2023-05-30. Review status: criteria provided, single submitter. Criteria: LabCorp Variant Classification Summary - May 2015. Collection method: clinical testing. Allele origin: germline.
Comment: Variant summary: CP c.1493A>G (p.Gln498Arg) results in a conservative amino acid change in the encoded protein sequence. Four of five in-silico tools predict a benign effect of the variant on protein function. The variant allele was found at a frequency of 0.00041 in 251470 control chromosomes, predominantly at a frequency of 0.0056 within the East Asian subpopulation in the gnomAD database. The observed variant frequency within East Asian control individuals in the gnomAD database is approximately 30 fold of the estimated maximal expected allele frequency for a pathogenic variant in CP causing Neurodegeneration With Brain Iron Accumulation phenotype (0.00019), strongly suggesting that the variant is a benign polymorphism found primarily in populations of East Asian origin. To our knowledge, no occurrence of c.1493A>G in individuals affected with Neurodegeneration With Brain Iron Accumulation and no experimental evidence demonstrating its impact on protein function have been reported. Three clinical diagnostic laboratories have submitted clinical-significance assessments for this variant to ClinVar after 2014 without evidence for independent evaluation. All laboratories classified the variant as likely benign. Based on the evidence outlined above, the variant was classified as likely benign.

Illumina Laboratory Services, Illumina
Classification: Likely benign for Deficiency of ferroxidase. Last evaluated: 2018-01-13. Review status: criteria provided, single submitter. Criteria: ICSL Variant Classification Criteria 13 December 2019. Collection method: clinical testing. Allele origin: germline.
Comment: This variant was observed in the ICSL laboratory as part of a predisposition screen in an ostensibly healthy population. It had not been previously curated by ICSL or reported in the Human Gene Mutation Database (HGMD: prior to June 1st, 2018), and was therefore a candidate for classification through an automated scoring system. Utilizing variant allele frequency, disease prevalence and penetrance estimates, and inheritance mode, an automated score was calculated to assess if this variant is too frequent to cause the disease. Based on the score and internal cut-off values, a variant classified as likely benign is not then subjected to further curation. The score for this variant resulted in a classification of likely benign for this disease.

Genetic Services Laboratory, University of Chicago
Classification: Likely benign. Last evaluated: 2015-10-29. Review status: criteria provided, single submitter. Criteria: ACMG Guidelines, 2015. Collection method: clinical testing. Allele origin: germline. Affected: no.

NM_000096.4(CP):c.1493A>G (p.Gln498Arg)

Gene: CP (ceruloplasmin; minus strand). Cytogenetic location: 3q24.
Variant type: single nucleotide variant.
Coding change: c.1493A>G on transcript NM_000096.4 (MANE Select); coding-DNA position 1493, A replaced by G.
Protein change: p.Gln498Arg; replaces glutamine 498 with arginine.
Molecular consequence: missense variant. On other transcripts: non-coding transcript variant (1).
Genome position (GRCh38, 1-based): chr3:149,199,720, T>C on the plus strand (A>G on the coding strand, the complement: CP is on the minus strand). VCF-style: chr3-149199720-T-C. GRCh37 (hg19) VCF-style: chr3-148917507-T-C.
Other names: short protein forms Q498R.
Identifiers: ClinVar variation 343767 (VCV000343767.19), dbSNP rs17847018, ClinGen allele CA2661001.